The following is an entry in ClinVar:

ClinVar aggregate classification (germline): Uncertain significance. Review status: criteria provided, multiple submitters, no conflicts (2 of 4 stars). 2 submissions from 2 submitters: Uncertain significance (2). Last evaluated 2026-01-26.

Submissions (2):

Labcorp Genetics (formerly Invitae), Labcorp
Classification: Uncertain significance. Last evaluated: 2026-01-26. Review status: criteria provided, single submitter. Criteria: Invitae Variant Classification Sherloc (09022015). Collection method: clinical testing. Allele origin: germline.
Comment: This sequence change replaces lysine, which is basic and polar, with arginine, which is basic and polar, at codon 893 of the PHIP protein (p.Lys893Arg). This variant is not present in population databases (gnomAD no frequency). This variant has not been reported in the literature in individuals affected with PHIP-related conditions. Invitae Evidence Modeling of protein sequence and biophysical properties (such as structural, functional, and spatial information, amino acid conservation, physicochemical variation, residue mobility, and thermodynamic stability) indicates that this missense variant is not expected to disrupt PHIP protein function with a negative predictive value of 95%. In summary, the available evidence is currently insufficient to determine the role of this variant in disease. Therefore, it has been classified as a Variant of Uncertain Significance.

GeneDx
Classification: Uncertain significance. Last evaluated: 2025-05-05. Review status: criteria provided, single submitter. Criteria: GeneDx Variant Classification Process June 2021. Collection method: clinical testing. Allele origin: germline. Affected: yes.
Comment: Not observed at significant frequency in large population cohorts (gnomAD); In silico analysis suggests that this missense variant does not alter protein structure/function; Has not been previously published as pathogenic or benign to our knowledge

NM_017934.7(PHIP):c.2678A>G (p.Lys893Arg)

Gene: PHIP (PHIP subunit of CUL4-Ring ligase complex; minus strand). Cytogenetic location: 6q14.1.
Variant type: single nucleotide variant.
Coding change: c.2678A>G on transcript NM_017934.7 (MANE Select); coding-DNA position 2678, A replaced by G.
Protein change: p.Lys893Arg; replaces lysine 893 with arginine.
Molecular consequence: missense variant.
Genome position (GRCh38, 1-based): chr6:78,982,977, T>C on the plus strand (A>G on the coding strand, the complement: PHIP is on the minus strand). VCF-style: chr6-78982977-T-C. GRCh37 (hg19) VCF-style: chr6-79692694-T-C.
Other names: short protein forms K893R.
Identifiers: ClinVar variation 4527945 (VCV004527945.2).
Genomic context (GRCh38, chr6:78,982,977, plus strand): 5'-TTTGGTGATATTGGTCCATCTTTTTCTTCATTTACTTTTTTCTTTTCCTTTTTAATCTGT[T>C]TTTGCTTCTGTTTTTCAGATTCTTCTTCTTCATCTGAACTGCTTTCTGCTTTCTTGGTTT-3'
Protein context (NP_060404.4, residues 883-903): EEEESEKQKQ[Lys893Arg]QIKKEKKKVN